The following is an entry in ClinVar:

NM_032638.5(GATA2):c.389C>T (p.Ala130Val)

Gene: GATA2 (GATA binding protein 2; minus strand). Cytogenetic location: 3q21.3.
Variant type: single nucleotide variant.
Coding change: c.389C>T on transcript NM_032638.5 (MANE Select); coding-DNA position 389, C replaced by T.
Protein change: p.Ala130Val; replaces alanine 130 with valine.
Molecular consequence: missense variant.
Genome position (GRCh38, 1-based): chr3:128,486,209, G>A on the plus strand (C>T on the coding strand, the complement: GATA2 is on the minus strand). VCF-style: chr3-128486209-G-A. GRCh37 (hg19) VCF-style: chr3-128205052-G-A.
Other names: c.389C>T, p.Ala130Val (NM_001145661.2, NM_001145662.1); short protein forms A130V.
Identifiers: ClinVar variation 3853016 (VCV003853016.1).
Genomic context (GRCh38, chr3:128,486,209, plus strand): 5'-CCCCCGCTCCCACCCCCAGCCCCTGGGTACACAGAGAGTGGGCCTCCAGGGCCTCCAGCA[G>A]CTGAGGGGTGCAGTGGCGTCTTGGAGAAGGGGCTCACGGTCCAGGGGTTGTGGTGGTGGG-3'
Protein context (NP_116027.2, residues 120-140): PFSKTPLHPS[Ala130Val]AGGPGGPLSV

ClinVar aggregate classification (germline): Uncertain significance (1 of 4 stars; one submission).

Conditions:
Inborn genetic diseases. Identifiers: MedGen C0950123, MeSH D030342.

Submission:

Ambry Genetics
Classification: Uncertain significance for Inborn genetic diseases. Last evaluated: 2025-01-16. Review status: criteria provided, single submitter. Criteria: Ambry Variant Classification Scheme 2023. Collection method: clinical testing. Allele origin: germline.
Comment: The p.A130V variant (also known as c.389C>T), located in coding exon 2 of the GATA2 gene, results from a C to T substitution at nucleotide position 389. The alanine at codon 130 is replaced by valine, an amino acid with similar properties. This amino acid position is not well conserved in available vertebrate species. In addition, the in silico prediction for this alteration is inconclusive. Based on the available evidence, the clinical significance of this variant remains unclear.